The following is an entry in ClinVar:

NM_152617.4(RNF168):c.167G>T (p.Arg56Leu)

Gene: RNF168 (ring finger protein 168; minus strand). Cytogenetic location: 3q29.
Variant type: single nucleotide variant.
Coding change: c.167G>T on transcript NM_152617.4 (MANE Select); coding-DNA position 167, G replaced by T.
Protein change: p.Arg56Leu; replaces arginine 56 with leucine.
Molecular consequence: missense variant.
Genome position (GRCh38, 1-based): chr3:196,503,007, C>A on the plus strand (G>T on the coding strand, the complement: RNF168 is on the minus strand). VCF-style: chr3-196503007-C-A. GRCh37 (hg19) VCF-style: chr3-196229878-C-A.
Other names: short protein forms R56L.
Identifiers: ClinVar variation 3612225 (VCV003612225.2).

ClinVar aggregate classification (germline): Uncertain significance (1 of 4 stars; one submission).

gnomAD v4.1: 4 of 1,613,896 alleles (0.00025%); highest among the groups gnomAD compares: Non-Finnish European, 0.00025%; no homozygotes.

Submission:

Labcorp Genetics (formerly Invitae), Labcorp
Classification: Uncertain significance. Last evaluated: 2024-03-18. Review status: criteria provided, single submitter. Criteria: Invitae Variant Classification Sherloc (09022015). Collection method: clinical testing. Allele origin: germline.
Comment: This sequence change replaces arginine, which is basic and polar, with leucine, which is neutral and non-polar, at codon 56 of the RNF168 protein (p.Arg56Leu). This variant is not present in population databases (gnomAD no frequency). This variant has not been reported in the literature in individuals affected with RNF168-related conditions. An algorithm developed to predict the effect of missense changes on protein structure and function (PolyPhen-2) suggests that this variant is likely to be tolerated. In summary, the available evidence is currently insufficient to determine the role of this variant in disease. Therefore, it has been classified as a Variant of Uncertain Significance.